The following is an entry in ClinVar:

ClinVar aggregate classification (germline): Pathogenic/Likely pathogenic. Review status: criteria provided, multiple submitters, no conflicts (2 of 4 stars). 11 submissions from 11 submitters: Pathogenic (6); Likely pathogenic (2). 3 of the submissions do not count toward it. Last evaluated 2025-11-10.

Conditions:
Developmental and epileptic encephalopathy, 1 (DEE1). Also called: INFANTILE SPASM SYNDROME, X-LINKED 1; X-linked infantile spasms; West's syndrome; Tonic spasms with clustering, arrest of psychomotor development and hypsarrhythmia on EEG; X-Linked Infantile Spasm Syndrome; Epileptic encephalopathy, early infantile, 1. Identifiers: MedGen C3463992, MONDO:0010632, OMIM 308350. Disease mechanism: loss of function.
Autosomal dominant nonsyndromic hearing loss 65. Also called: Deafness, autosomal dominant 65; TBC1D24-Related Autosomal Dominant Nonsyndromic Hearing Loss (DFNA). Identifiers: Orphanet 90635, MedGen C3892048, MONDO:0014470, OMIM 616044.
TBC1D24-related disorder. Also called: TBC1D24-related disorders; TBC1D24-related condition. Identifiers: MedGen CN381194.
Inborn genetic diseases. Identifiers: MedGen C0950123, MeSH D030342.
developmental delay with seizures.
DOORS syndrome (DOORS). Also called: DOORS Syndrome (Deafness, Onychodystrophy, Osteodystrophy, Mental Retardation, and Seizures); DOOR SYNDROME; DRC SYNDROME; BRACHYDACTYLY DUE TO ABSENCE OF DISTAL PHALANGES; ERONEN SYNDROME; Digitorenocerebral syndrome. Identifiers: Orphanet 3231, Orphanet 79500, MedGen C0795934, MONDO:0009079, OMIM 220500. Disease mechanism: loss of function.
Developmental and epileptic encephalopathy, 16 (DEE16). Also called: TBC1D24-Related Developmental and Epileptic Encephalopathy (DEE); Early infantile epileptic encephalopathy 16. Identifiers: Orphanet 293181, Orphanet 352596, MedGen C3809173, MONDO:0014133, OMIM 615338.

Allele frequency attached by ClinVar (database versions not stated): gnomAD 0.00002; TOPMed 0.00009; ExAC 0.00017; gnomAD exomes 0.00018.
gnomAD v4.1: 53 of 1,613,882 alleles (0.0033%); highest among the groups gnomAD compares: Admixed American, 0.087%; no homozygotes.

Submissions (11):

3billion
Classification: Pathogenic for Developmental and epileptic encephalopathy, 16. Last evaluated: 2025-11-10. Review status: criteria provided, single submitter. Criteria: ACMG Guidelines, 2015. Collection method: clinical testing. Allele origin: germline. Affected: yes.
Comment: The variant is observed at an extremely low frequency in the gnomAD v4.1.0 dataset (total allele frequency: 0.003%). Predicted Consequence/Location: Missense variant In silico tool predictions suggest damaging effect of the variant on gene or gene product [3Cnet: 0.97 (> 0.75, sensitivity 0.96 and precision 0.92)]. The same nucleotide change resulting in the same amino acid change has been previously reported as pathogenic/likely pathogenic with strong evidence (ClinVar ID: VCV000207505 /PMID: 29100083 /3billion dataset). The variant has been reported to be in trans with a pathogenic variant as either compound heterozygous or homozygous in at least one similarly affected unrelated individual (PMID: 27502353 /3billion dataset). The variant has been reported to co-segregate with the disease in at least one similarly affected relative/individual in the same family or similarly affected unrelated families (PMID: 27502353). Therefore, this variant is classified as Pathogenic according to the recommendation of ACMG/AMP guideline.

Labcorp Genetics (formerly Invitae), Labcorp
Classification: Pathogenic for Developmental and epileptic encephalopathy, 1; Autosomal dominant nonsyndromic hearing loss 65. Last evaluated: 2025-11-10. Review status: criteria provided, single submitter. Criteria: Invitae Variant Classification Sherloc (09022015). Collection method: clinical testing. Allele origin: germline.
Comment: This sequence change replaces proline, which is neutral and non-polar, with arginine, which is basic and polar, at codon 282 of the TBC1D24 protein (p.Pro282Arg). This variant is present in population databases (rs747538224, gnomAD 0.1%). This missense change has been observed in individual(s) with autosomal recessive epileptic encephalopathy (PMID: 27502353, 29100083; internal data). In at least one individual the data is consistent with being in trans (on the opposite chromosome) from a pathogenic variant. It has also been observed to segregate with disease in related individuals. ClinVar contains an entry for this variant (Variation ID: 207505). Invitae Evidence Modeling of protein sequence and biophysical properties (such as structural, functional, and spatial information, amino acid conservation, physicochemical variation, residue mobility, and thermodynamic stability) has been performed for this missense variant. However, the output from this modeling did not meet the statistical confidence thresholds required to predict the impact of this variant on TBC1D24 protein function. For these reasons, this variant has been classified as Pathogenic.

GeneDx
Classification: Pathogenic. Last evaluated: 2025-10-02. Review status: criteria provided, single submitter. Criteria: GeneDx Variant Classification Process June 2021. Collection method: clinical testing. Allele origin: germline. Affected: yes.
Comment: Reported previously in individuals with clinical features consistent with TBC1D24-related DOORS spectrum disorder who also harbored a second TBC1D24 variant (PMID: 27502353, 27281533); In silico analysis supports that this missense variant has a deleterious effect on protein structure/function; This variant is associated with the following publications: (PMID: 27281533, 29100083, 33281559, 27502353, 34926809, 31440721)

CeGaT Center for Human Genetics Tuebingen
Classification: Pathogenic. Last evaluated: 2025-10-01. Review status: criteria provided, single submitter. Criteria: CeGaT Center For Human Genetics Tuebingen Variant Classification Criteria Version 2. Collection method: clinical testing. Allele origin: germline. Affected: yes. Observed: 1 variant allele.
Comment: TBC1D24: PM3:Very Strong, PM2

PreventionGenetics, part of Exact Sciences
Classification: Pathogenic for TBC1D24-related condition. Last evaluated: 2025-09-23. Review status: criteria provided, single submitter. Criteria: ACMG Guidelines, 2015. Collection method: clinical testing. Allele origin: germline.
Comment: The TBC1D24 c.845C>G variant is predicted to result in the amino acid substitution p.Pro282Arg. This variant has been reported in the homozygous or compound heterozygous states in at least five individuals with TBC1D24-related epilepsy phenotypes (Table S7, Hamdan et al. 2017. PubMed ID: 29100083; Appavu et al. 2016. PubMed ID: 27502353; Balestrini et al. 2016. PubMed ID: 27281533; Table S2, Truty et al. 2019. PubMed ID: 31440721). This variant is reported in 0.13% of alleles in individuals of Latino descent in gnomAD. This variant is interpreted as pathogenic.

Revvity Omics, Revvity
Classification: Likely pathogenic. Last evaluated: 2024-07-10. Review status: criteria provided, single submitter. Criteria: ACMG Guidelines, 2015. Collection method: clinical testing. Allele origin: germline.

Ambry Genetics
Classification: Likely pathogenic for Inborn genetic diseases. Last evaluated: 2021-07-13. Review status: criteria provided, single submitter. Criteria: Ambry Variant Classification Scheme 2023. Collection method: clinical testing. Allele origin: germline.
Comment: The c.845C>G (p.P282R) alteration is located in exon 2 (coding exon 1) of the TBC1D24 gene. This alteration results from a C to G substitution at nucleotide position 845, causing the proline (P) at amino acid position 282 to be replaced by an arginine (R). Based on data from the Genome Aggregation Database (gnomAD), the TBC1D24 c.845C>G alteration was observed in 0.02% (46/280780) of total alleles studied, with a frequency of 0.13% (45/35374) in the Latino subpopulation. This variant has been reported in the compound heterozygous state in three individuals with epilepsy (Appavu, 2016; Balestrini, 2016; Hamdan, 2017). The in silico prediction for the p.P282R alteration is inconclusive. Based on the available evidence, this alteration is classified as likely pathogenic.

Baylor Genetics
Classification: Pathogenic for DOORS syndrome. Last evaluated: 2019-10-22. Review status: criteria provided, single submitter. Criteria: ACMG Guidelines, 2015. Collection method: clinical testing. Allele origin: unknown. Affected: yes.
Comment: This variant was determined to be pathogenic according to ACMG Guidelines, 2015 [PMID:25741868].

Clinical Genomics Laboratory, Stanford Medicine
Classification: Pathogenic. Last evaluated: 2020-03-02. Review status: no assertion criteria provided. Collection method: clinical testing. Allele origin: germline. Inheritance: Autosomal recessive inheritance. Affected: yes. Not counted in ClinVar's aggregate classification.
Comment: The p.Pro282Arg variant in the TBC1D24 gene has been previously reported in at least 17 unrelated individuals with seizures and developmental delay, and co-segregated with disease in at least 3 affected relatives from 3 families (Appavu et al., 2016; GeneDx, personal communication, March 2, 2020; Hamdan et al., 2017; Invitae, personal communication, February 12, 2020). All affected individuals were homozygous or compound heterozygous. This variant was determined to be in trans with at least 4 different likely pathogenic or pathogenic variants consistent with autosomal recessive inheritance (GeneDx, personal communication, March 2, 2020; Hamdan et al., 2017; Invitae, personal communication, February 12, 2020). The presence of this variant with a diseaseassociated variant on the opposite allele increases suspicion for its pathogenicity. The p.Pro282Arg variant has also been identified in 45/35,374 Latino chromosomes by the Genome Aggregation Database. Computational tools predict that this variant is deleterious; however, the accuracy of in silico algorithms is limited. These data were assessed using the ACMG/AMP variant interpretation guidelines. In summary, there is sufficient evidence to classify the p.Pro282Arg variant as pathogenic for autosomal recessive TBC1D24-associated disorders based on the information above. [ACMG evidence codes used: PM2; PM3_verystrong; PP1_moderate; PP3]

Clinical Molecular Genetics Laboratory, Johns Hopkins All Children's Hospital
Classification: Uncertain significance for developmental delay with seizures. Last evaluated: 2016-08-15. Review status: flagged submission. Collection method: clinical testing. Allele origin: germline. Affected: yes. Not counted in ClinVar's aggregate classification.
ClinVar note: Reason: Older and outlier claim with insufficient supporting evidence

Genetic Services Laboratory, University of Chicago
Classification: Uncertain significance. Last evaluated: 2014-08-08. Review status: flagged submission. Criteria: ACMG Guidelines, 2015. Collection method: clinical testing. Allele origin: germline. Not counted in ClinVar's aggregate classification.
ClinVar note: Reason: Older and outlier claim with insufficient supporting evidence

Literature cited by the submitters: PubMed 27502353 (cited by 3 submitters); PubMed 29100083 (cited by 3 submitters); PubMed 27281533 (cited by Ambry Genetics).

NM_001199107.2(TBC1D24):c.845C>G (p.Pro282Arg)

Gene: TBC1D24 (TBC1 domain family member 24; plus strand). Cytogenetic location: 16p13.3.
Variant type: single nucleotide variant.
Coding change: c.845C>G on transcript NM_001199107.2 (MANE Select); coding-DNA position 845, C replaced by G.
Protein change: p.Pro282Arg; replaces proline 282 with arginine.
Molecular consequence: missense variant.
Genome position (GRCh38, 1-based): chr16:2,496,993, C>G. VCF-style: chr16-2496993-C-G. GRCh37 (hg19) VCF-style: chr16-2546994-C-G.
Other names: p.P282R:CCT>CGT; c.845C>G, p.Pro282Arg (NM_020705.3); short protein forms P282R.
Identifiers: ClinVar variation 207505 (VCV000207505.37), dbSNP rs747538224, ClinGen allele CA319041.